The following is an entry in ClinVar:

NM_145200.5(CABP4):c.24dup (p.Gln9fs)

Gene: CABP4 (calcium binding protein 4; plus strand). Cytogenetic location: 11q13.2.
Variant type: Duplication.
Coding change: c.24dup on transcript NM_145200.5 (MANE Select); coding-DNA position 24, one base duplicated (G; older notation c.24dupG).
Protein change: p.Gln9fs; shifts the reading frame from glutamine 9.
Molecular consequence: frameshift variant. On other transcripts: 5 prime UTR variant (2), non-coding transcript variant (1), intron variant (1).
Genome position (GRCh38, 1-based): chr11:67,455,447, G duplicated; the last of 5 consecutive G bases (chr11:67,455,443-67,455,447); duplicating any one gives the same sequence. VCF-style (leftmost placement, unchanged base first): chr11-67455442-A-AG. GRCh37 (hg19) VCF-style: chr11-67222913-A-AG.
Other names: c.-360dup (NM_001300895.3); c.-374dup (NM_001379183.1); c.-112-262dup (NM_001300896.3); short protein forms Q9fs.
Identifiers: ClinVar variation 3635045 (VCV003635045.2).
Genomic context (GRCh38, chr11:67,455,442, plus strand): 5'-GCCCAGGGGTGTGGTGTCTCTGAGCCCTGTTATCCCTCCCCCATGACCACAGAGCAGGCA[A>AG]GGGGGCAGCAGGGCCCAAATCTGGCCATTGGCCGTCAGAAGCCCCCTGCGGGGGTTGTGA-3'

ClinVar aggregate classification (germline): Pathogenic (1 of 4 stars; one submission).

Submission:

Labcorp Genetics (formerly Invitae), Labcorp
Classification: Pathogenic. Last evaluated: 2024-02-10. Review status: criteria provided, single submitter. Criteria: Invitae Variant Classification Sherloc (09022015). Collection method: clinical testing. Allele origin: germline.
Comment: This sequence change creates a premature translational stop signal (p.Gln9Alafs*23) in the CABP4 gene. It is expected to result in an absent or disrupted protein product. Loss-of-function variants in CABP4 are known to be pathogenic (PMID: 25307992). This variant is not present in population databases (gnomAD no frequency). This variant has not been reported in the literature in individuals affected with CABP4-related conditions. For these reasons, this variant has been classified as Pathogenic.

Literature cited by the submitters: PubMed 25307992.